The following is an entry in ClinVar:

ClinVar aggregate classification (germline): Uncertain significance. Review status: criteria provided, multiple submitters, no conflicts (2 of 4 stars). 2 submissions from 2 submitters: Uncertain significance (2). Last evaluated 2025-10-01.

Conditions:
KIF5A-related disorder. Also called: KIF5A-related condition; KIF5A-related disorders.
Spastic paraplegia. Identifiers: MedGen C0037772, HP:0001258.

Submissions (2):

Labcorp Genetics (formerly Invitae), Labcorp
Classification: Uncertain significance for Spastic paraplegia. Last evaluated: 2025-10-01. Review status: criteria provided, single submitter. Criteria: Invitae Variant Classification Sherloc (09022015). Collection method: clinical testing. Allele origin: germline.
Comment: This sequence change falls in intron 26 of the KIF5A gene. It does not directly change the encoded amino acid sequence of the KIF5A protein. This variant is not present in population databases (gnomAD no frequency). This variant has not been reported in the literature in individuals affected with KIF5A-related conditions. Algorithms developed to predict the effect of sequence changes on RNA splicing suggest that this variant may create or strengthen a splice site. In summary, the available evidence is currently insufficient to determine the role of this variant in disease. Therefore, it has been classified as a Variant of Uncertain Significance.

PreventionGenetics, part of Exact Sciences
Classification: Uncertain significance for KIF5A-related condition. Last evaluated: 2025-07-30. Review status: criteria provided, single submitter. Criteria: ACMG Guidelines, 2015. Collection method: clinical testing. Allele origin: germline.
Comment: The KIF5A c.2993-9T>G variant is predicted to interfere with splicing. To our knowledge, this variant has not been reported in the literature or in a large population database (gnomAD), indicating this variant is rare. This variant is predicted to alter splicing based on available splicing prediction programs (SpliceAI, Jaganathan et al. 2019. PubMed ID: 30661751). However, the use of computer prediction programs is not equivalent to functional evidence. At this time, the clinical significance of this variant is uncertain due to the absence of conclusive functional and genetic evidence.

NM_004984.4(KIF5A):c.2993-9T>G

Gene: KIF5A (kinesin family member 5A; plus strand). Cytogenetic location: 12q13.3.
Variant type: single nucleotide variant.
Coding change: c.2993-9T>G on transcript NM_004984.4 (MANE Select); 9 bases into the intron before coding-DNA position 2993, T replaced by G.
Molecular consequence: intron variant.
Genome position (GRCh38, 1-based): chr12:57,582,593, T>G. VCF-style: chr12-57582593-T-G. GRCh37 (hg19) VCF-style: chr12-57976376-T-G.
Other names: c.2726-9T>G (NM_001354705.2); c.2993-9T>G (NM_004984.2).
Identifiers: ClinVar variation 4799469 (VCV004799469.2).